The following is an entry in ClinVar:

ClinVar aggregate classification (germline): Likely pathogenic (1 of 4 stars; one submission).

Conditions:
Peroxisome biogenesis disorder. Identifiers: Orphanet 79189, MedGen C1832200, MONDO:0019234. Disease mechanism: loss of function.

Submission:

Myriad Genetics, Inc.
Classification: Likely pathogenic for Peroxisome biogenesis disorder. Last evaluated: 2021-12-28. Review status: criteria provided, single submitter. Criteria: Myriad Autosomal Dominant, Autosomal Recessive and X-Linked Classification Criteria (2023). Collection method: clinical testing. Allele origin: unknown.
Comment: NM_000466.2(PEX1):c.1363A>T(K455*) is expected to be pathogenic in the context of peroxisome biogenesis disorder type 1. This variant is predicted to lead to an abnormal or absent protein product due to the creation of a premature termination codon in PEX1, a gene where loss-of-function variants are known to be pathogenic. Please note: this variant was assessed in the context of healthy population screening.

NM_000466.3(PEX1):c.1363A>T (p.Lys455Ter)

Gene: PEX1 (peroxisomal biogenesis factor 1; minus strand). Cytogenetic location: 7q21.2.
Variant type: single nucleotide variant.
Coding change: c.1363A>T on transcript NM_000466.3 (MANE Select); coding-DNA position 1363, A replaced by T.
Protein change: p.Lys455Ter; replaces lysine 455 with a stop codon.
Molecular consequence: nonsense.
Genome position (GRCh38, 1-based): chr7:92,511,700, T>A on the plus strand (A>T on the coding strand, the complement: PEX1 is on the minus strand). VCF-style: chr7-92511700-T-A. GRCh37 (hg19) VCF-style: chr7-92141014-T-A.
Other names: c.1363A>T, p.Lys455Ter (NM_001282677.2); c.739A>T, p.Lys247Ter (NM_001282678.2); short protein forms K247*, K455*.
Identifiers: ClinVar variation 1726617 (VCV001726617.3), dbSNP rs2484687812, ClinGen allele CA368191643.